The following is an entry in ClinVar:

ClinVar aggregate classification (germline): Uncertain significance. Review status: criteria provided, multiple submitters, no conflicts (2 of 4 stars). 4 submissions from 4 submitters: Uncertain significance (4). Last evaluated 2025-06-18.

Conditions:
MYO18B-related disorder. Also called: MYO18B-related condition.
Inborn genetic diseases. Identifiers: MedGen C0950123, MeSH D030342.

Allele frequency attached by ClinVar (database versions not stated): gnomAD 0.00002 and 0.00005; gnomAD exomes 0.00006 and 0.00010; ExAC 0.00022.
gnomAD v4.1: 100 of 1,603,280 alleles (0.0062%); highest among the groups gnomAD compares: South Asian, 0.089%; no homozygotes.

Submissions (4):

PreventionGenetics, part of Exact Sciences
Classification: Uncertain significance for MYO18B-related condition. Last evaluated: 2025-06-18. Review status: criteria provided, single submitter. Criteria: ACMG Guidelines, 2015. Collection method: clinical testing. Allele origin: germline.
Comment: The MYO18B c.5207G>A variant is predicted to result in the amino acid substitution p.Arg1736His. To our knowledge, this variant has not been reported in the literature. This variant is reported in 0.072% of alleles in individuals of South Asian descent in gnomAD. Although we suspect that this variant may be benign, at this time, the clinical significance of this variant is uncertain due to the absence of conclusive functional and genetic evidence.

Labcorp Genetics (formerly Invitae), Labcorp
Classification: Uncertain significance. Last evaluated: 2024-11-28. Review status: criteria provided, single submitter. Criteria: Invitae Variant Classification Sherloc (09022015). Collection method: clinical testing. Allele origin: germline.
Comment: This sequence change replaces arginine, which is basic and polar, with histidine, which is basic and polar, at codon 1736 of the MYO18B protein (p.Arg1736His). The frequency data for this variant in the population databases is considered unreliable, as metrics indicate poor data quality at this position in the gnomAD database. This variant has not been reported in the literature in individuals affected with MYO18B-related conditions. ClinVar contains an entry for this variant (Variation ID: 1395812). An algorithm developed to predict the effect of missense changes on protein structure and function (PolyPhen-2) suggests that this variant is likely to be disruptive. In summary, the available evidence is currently insufficient to determine the role of this variant in disease. Therefore, it has been classified as a Variant of Uncertain Significance.

Blueprint Genetics
Classification: Uncertain significance. Last evaluated: 2024-09-12. Review status: criteria provided, single submitter. Criteria: ACMG Guidelines, 2015. Collection method: clinical testing. Allele origin: germline.

Ambry Genetics
Classification: Uncertain significance for Inborn genetic diseases. Last evaluated: 2023-09-08. Review status: criteria provided, single submitter. Criteria: Ambry Variant Classification Scheme 2023. Collection method: clinical testing. Allele origin: germline.

NM_032608.7(MYO18B):c.5207G>A (p.Arg1736His)

Gene: MYO18B (myosin XVIIIB; plus strand). Cytogenetic location: 22q12.1.
Variant type: single nucleotide variant.
Coding change: c.5207G>A on transcript NM_032608.7 (MANE Select); coding-DNA position 5207, G replaced by A.
Protein change: p.Arg1736His; replaces arginine 1736 with histidine.
Molecular consequence: missense variant.
Genome position (GRCh38, 1-based): chr22:25,908,380, G>A. VCF-style: chr22-25908380-G-A. GRCh37 (hg19) VCF-style: chr22-26304347-G-A.
Other names: c.5207G>A (NM_032608.5, NM_032608.6); c.5210G>A, p.Arg1737His (NM_001318245.2); short protein forms R1736H, R1737H.
Identifiers: ClinVar variation 1395812 (VCV001395812.7), dbSNP rs760783299, ClinGen allele CA10161100.